The following is an entry in ClinVar:

NM_000444.6(PHEX):c.307G>A (p.Val103Ile)

Gene: PHEX (phosphate regulating endopeptidase X-linked; plus strand). Cytogenetic location: Xp22.11.
Variant type: single nucleotide variant.
Coding change: c.307G>A on transcript NM_000444.6 (MANE Select); coding-DNA position 307, G replaced by A.
Protein change: p.Val103Ile; replaces valine 103 with isoleucine.
Molecular consequence: missense variant.
Genome position (GRCh38, 1-based): chrX:22,047,169, G>A. VCF-style: chrX-22047169-G-A. GRCh37 (hg19) VCF-style: chrX-22065287-G-A.
Other names: c.307G>A, p.Val103Ile (NM_001282754.2); short protein forms V103I.
Identifiers: ClinVar variation 3698100 (VCV003698100.2).

ClinVar aggregate classification (germline): Uncertain significance (1 of 4 stars; one submission).

gnomAD v4.1: 1 of 1,209,619 alleles (0.000083%); highest among the groups gnomAD compares: Admixed American, 0.0022%; no homozygotes.

Submission:

Labcorp Genetics (formerly Invitae), Labcorp
Classification: Uncertain significance. Last evaluated: 2024-03-12. Review status: criteria provided, single submitter. Criteria: Invitae Variant Classification Sherloc (09022015). Collection method: clinical testing. Allele origin: germline.
Comment: This sequence change replaces valine, which is neutral and non-polar, with isoleucine, which is neutral and non-polar, at codon 103 of the PHEX protein (p.Val103Ile). This variant is present in population databases (rs758053428, gnomAD 0.004%). This variant has not been reported in the literature in individuals affected with PHEX-related conditions. Algorithms developed to predict the effect of missense changes on protein structure and function output the following: SIFT: "Not Available"; PolyPhen-2: "Benign"; Align-GVGD: "Not Available". The isoleucine amino acid residue is found in multiple mammalian species, which suggests that this missense change does not adversely affect protein function. In summary, the available evidence is currently insufficient to determine the role of this variant in disease. Therefore, it has been classified as a Variant of Uncertain Significance.